The following is an entry in ClinVar:

NM_032043.3(BRIP1):c.1009A>T (p.Ile337Leu)

Gene: BRIP1 (BRCA1 interacting DNA helicase 1; minus strand). Cytogenetic location: 17q23.2.
Variant type: single nucleotide variant.
Coding change: c.1009A>T on transcript NM_032043.3 (MANE Select); coding-DNA position 1009, A replaced by T.
Protein change: p.Ile337Leu; replaces isoleucine 337 with leucine.
Molecular consequence: missense variant.
Genome position (GRCh38, 1-based): chr17:61,801,384, T>A on the plus strand (A>T on the coding strand, the complement: BRIP1 is on the minus strand). VCF-style: chr17-61801384-T-A. GRCh37 (hg19) VCF-style: chr17-59878745-T-A.
Other names: short protein forms I337L.
Identifiers: ClinVar variation 2942680 (VCV002942680.4), dbSNP rs1365389773, ClinGen allele CA400484121.

ClinVar aggregate classification (germline): Uncertain significance. Review status: criteria provided, multiple submitters, no conflicts (2 of 4 stars). 2 submissions from 2 submitters: Uncertain significance (2). Last evaluated 2024-03-16.

Conditions:
Hereditary cancer-predisposing syndrome. Also called: Neoplastic Syndromes, Hereditary; Tumor predisposition; Hereditary Cancer Syndrome; Hereditary neoplastic syndrome. Identifiers: Orphanet 140162, MedGen C0027672, MeSH D009386, MONDO:0015356.
Fanconi anemia complementation group J. Also called: BRIP1-Related Fanconi Anemia. Identifiers: Orphanet 84, MedGen C1836860, MONDO:0012187, OMIM 609054.
Familial cancer of breast. Also called: BREAST CANCER, FAMILIAL; Hereditary breast cancer; hereditary breast carcinoma. Identifiers: Orphanet 227535, MedGen C0346153, MONDO:0016419, OMIM 114480. Disease mechanism: loss of function.

Submissions (2):

Ambry Genetics
Classification: Uncertain significance for Hereditary cancer-predisposing syndrome. Last evaluated: 2024-03-16. Review status: criteria provided, single submitter. Criteria: Ambry Variant Classification Scheme 2023. Collection method: clinical testing. Allele origin: germline.
Comment: The p.I337L variant (also known as c.1009A>T), located in coding exon 7 of the BRIP1 gene, results from an A to T substitution at nucleotide position 1009. The isoleucine at codon 337 is replaced by leucine, an amino acid with highly similar properties. This amino acid position is conserved. In addition, the in silico prediction for this alteration is inconclusive. Based on the available evidence, the clinical significance of this alteration remains unclear.

Labcorp Genetics (formerly Invitae), Labcorp
Classification: Uncertain significance for Familial cancer of breast; Fanconi anemia complementation group J. Last evaluated: 2022-12-25. Review status: criteria provided, single submitter. Criteria: Invitae Variant Classification Sherloc (09022015). Collection method: clinical testing. Allele origin: germline.
Comment: In summary, the available evidence is currently insufficient to determine the role of this variant in disease. Therefore, it has been classified as a Variant of Uncertain Significance. Advanced modeling of protein sequence and biophysical properties (such as structural, functional, and spatial information, amino acid conservation, physicochemical variation, residue mobility, and thermodynamic stability) performed at Invitae indicates that this missense variant is not expected to disrupt BRIP1 protein function. This variant has not been reported in the literature in individuals affected with BRIP1-related conditions. This variant is not present in population databases (gnomAD no frequency). This sequence change replaces isoleucine, which is neutral and non-polar, with leucine, which is neutral and non-polar, at codon 337 of the BRIP1 protein (p.Ile337Leu).